The following is an entry in ClinVar:

NM_000404.4(GLB1):c.517C>G (p.Leu173Val)

Gene: GLB1 (galactosidase beta 1; minus strand). Cytogenetic location: 3p22.3.
Variant type: single nucleotide variant.
Coding change: c.517C>G on transcript NM_000404.4 (MANE Select); coding-DNA position 517, C replaced by G.
Protein change: p.Leu173Val; replaces leucine 173 with valine.
Molecular consequence: missense variant.
Genome position (GRCh38, 1-based): chr3:33,065,498, G>C on the plus strand (C>G on the coding strand, the complement: GLB1 is on the minus strand). VCF-style: chr3-33065498-G-C. GRCh37 (hg19) VCF-style: chr3-33106990-G-C.
Other names: c.427C>G, p.Leu143Val (NM_001079811.3); c.305C>G, p.Pro102Arg (NM_001135602.3); c.661C>G, p.Leu221Val (NM_001317040.2); c.517C>G, p.Leu173Val (NM_001393580.1); short protein forms L221V, P102R, L143V, L173V.
Identifiers: ClinVar variation 1523122 (VCV001523122.6), dbSNP rs1303774639, ClinGen allele CA351992112.

ClinVar aggregate classification (germline): Likely pathogenic (1 of 4 stars; one submission).

Conditions:
GM1 gangliosidosis. Identifiers: Orphanet 354, MedGen C0085131, MONDO:0018149.
Mucopolysaccharidosis, MPS-IV-B (MPS4B). Also called: MORQUIO SYNDROME B; Mucopolysaccharidosis Type IVB (Morquio B Disease); Mucopolysaccharidosis type 4B; Mucopolysaccharidosis type IVB (Morquio); MPS IVB; Mucopolysaccharidosis type IV B. Identifiers: Orphanet 309310, Orphanet 582, MedGen C0086652, MONDO:0009660, OMIM 253010.

Allele frequency attached by ClinVar (database versions not stated): gnomAD 0.00001; TOPMed 0.00001.
gnomAD v4.1: 11 of 1,586,764 alleles (0.00069%); highest among the groups gnomAD compares: Non-Finnish European, 0.00086%; no homozygotes.

Submission:

Labcorp Genetics (formerly Invitae), Labcorp
Classification: Likely pathogenic for Mucopolysaccharidosis, MPS-IV-B; GM1 gangliosidosis. Last evaluated: 2024-01-25. Review status: criteria provided, single submitter. Criteria: Invitae Variant Classification Sherloc (09022015). Collection method: clinical testing. Allele origin: germline.
Comment: This sequence change replaces leucine, which is neutral and non-polar, with valine, which is neutral and non-polar, at codon 173 of the GLB1 protein (p.Leu173Val). This variant is present in population databases (no rsID available, gnomAD 0.007%). This variant has not been reported in the literature in individuals affected with GLB1-related conditions. ClinVar contains an entry for this variant (Variation ID: 1523122). Advanced modeling of protein sequence and biophysical properties (such as structural, functional, and spatial information, amino acid conservation, physicochemical variation, residue mobility, and thermodynamic stability) performed at Invitae indicates that this missense variant is expected to disrupt GLB1 protein function with a positive predictive value of 95%. This variant disrupts the p.Leu173 amino acid residue in GLB1. Other variant(s) that disrupt this residue have been determined to be pathogenic (PMID: 16941474, 17664528; Invitae). This suggests that this residue is clinically significant, and that variants that disrupt this residue are likely to be disease-causing. In summary, the currently available evidence indicates that the variant is pathogenic, but additional data are needed to prove that conclusively. Therefore, this variant has been classified as Likely Pathogenic.

Literature cited by the submitters: PubMed 16941474; PubMed 17664528.